The following is an entry in ClinVar:

ClinVar aggregate classification (germline): Uncertain significance. Review status: criteria provided, multiple submitters, no conflicts (2 of 4 stars). 3 submissions from 3 submitters: Uncertain significance (3). Last evaluated 2024-11-13.

Conditions:
Hereditary cancer-predisposing syndrome. Also called: Neoplastic Syndromes, Hereditary; Tumor predisposition; Hereditary Cancer Syndrome; Hereditary neoplastic syndrome. Identifiers: Orphanet 140162, MedGen C0027672, MeSH D009386, MONDO:0015356.

Submissions (3):

Labcorp Genetics (formerly Invitae), Labcorp
Classification: Uncertain significance. Last evaluated: 2024-11-13. Review status: criteria provided, single submitter. Criteria: Invitae Variant Classification Sherloc (09022015). Collection method: clinical testing. Allele origin: germline.
Comment: This sequence change replaces isoleucine, which is neutral and non-polar, with asparagine, which is neutral and polar, at codon 528 of the CTNNA1 protein (p.Ile528Asn). This variant is not present in population databases (gnomAD no frequency). This variant has not been reported in the literature in individuals affected with CTNNA1-related conditions. ClinVar contains an entry for this variant (Variation ID: 1775757). Invitae Evidence Modeling of protein sequence and biophysical properties (such as structural, functional, and spatial information, amino acid conservation, physicochemical variation, residue mobility, and thermodynamic stability) indicates that this missense variant is not expected to disrupt CTNNA1 protein function with a negative predictive value of 80%. In summary, the available evidence is currently insufficient to determine the role of this variant in disease. Therefore, it has been classified as a Variant of Uncertain Significance.

GeneDx
Classification: Uncertain significance. Last evaluated: 2024-09-29. Review status: criteria provided, single submitter. Criteria: GeneDx Variant Classification Process June 2021. Collection method: clinical testing. Allele origin: germline. Affected: yes.
Comment: Not observed at significant frequency in large population cohorts (gnomAD); In silico analysis supports that this missense variant has a deleterious effect on protein structure/function; Has not been previously published as pathogenic or benign to our knowledge

Ambry Genetics
Classification: Uncertain significance for Hereditary cancer-predisposing syndrome. Last evaluated: 2021-08-28. Review status: criteria provided, single submitter. Criteria: Ambry Variant Classification Scheme 2023. Collection method: clinical testing. Allele origin: germline.
Comment: The p.I528N variant (also known as c.1583T>A), located in coding exon 11 of the CTNNA1 gene, results from a T to A substitution at nucleotide position 1583. The isoleucine at codon 528 is replaced by asparagine, an amino acid with dissimilar properties. This amino acid position is conserved. In addition, the in silico prediction for this alteration is inconclusive. Since supporting evidence is limited at this time, the clinical significance of this alteration remains unclear.

NM_001903.5(CTNNA1):c.1583T>A (p.Ile528Asn)

Gene: CTNNA1 (catenin alpha 1; plus strand). Cytogenetic location: 5q31.2.
Variant type: single nucleotide variant.
Coding change: c.1583T>A on transcript NM_001903.5 (MANE Select); coding-DNA position 1583, T replaced by A.
Protein change: p.Ile528Asn; replaces isoleucine 528 with asparagine.
Molecular consequence: missense variant.
Genome position (GRCh38, 1-based): chr5:138,924,546, T>A. VCF-style: chr5-138924546-T-A. GRCh37 (hg19) VCF-style: chr5-138260235-T-A.
Other names: c.473T>A, p.Ile158Asn (NM_001323997.1, NM_001323998.1, NM_001323999.1 and 17 more transcripts); c.134T>A, p.Ile45Asn (NM_001324006.1, NM_001324007.1, NM_001324008.1 and 2 more transcripts); c.380T>A, p.Ile127Asn (NM_001324011.1); c.230T>A, p.Ile77Asn (NM_001324012.1, NM_001324013.1); c.1583T>A, p.Ile528Asn (NM_001290307.3, NM_001323982.2, NM_001323983.1 and 2 more transcripts); c.1274T>A, p.Ile425Asn (NM_001290309.3); c.1214T>A, p.Ile405Asn (NM_001290310.3); c.1490T>A, p.Ile497Asn (NM_001323986.2); and 1 more; short protein forms I158N, I528N, I425N, I45N, I497N, I77N, I127N, I405N.
Identifiers: ClinVar variation 1775757 (VCV001775757.5), dbSNP rs2150288022, ClinGen allele CA361131757.